The following is an entry in ClinVar:

ClinVar aggregate classification (germline): Pathogenic. Review status: criteria provided, multiple submitters, no conflicts (2 of 4 stars). 3 submissions from 3 submitters: Pathogenic (3). Last evaluated 2025-05-06.

Conditions:
Intellectual disability. Also called: Intellectual functioning disability; Intellectual developmental disorder; intellectual disabilities. Identifiers: MedGen C3714756, MeSH D008607, MONDO:0001071, HP:0001249.
Alstrom syndrome (ALMS). Identifiers: Orphanet 64, MedGen C0268425, MONDO:0008763, OMIM 203800.

Submissions (3):

Labcorp Genetics (formerly Invitae), Labcorp
Classification: Pathogenic for Alstrom syndrome. Last evaluated: 2025-05-06. Review status: criteria provided, single submitter. Criteria: Invitae Variant Classification Sherloc (09022015). Collection method: clinical testing. Allele origin: germline.
Comment: This sequence change creates a premature translational stop signal (p.Thr1609Aspfs*2) in the ALMS1 gene. It is expected to result in an absent or disrupted protein product. Loss-of-function variants in ALMS1 are known to be pathogenic (PMID: 17594715). This variant is not present in population databases (gnomAD no frequency). This premature translational stop signal has been observed in individual(s) with Alstrom syndrome (PMID: 25846608). ClinVar contains an entry for this variant (Variation ID: 842644). For these reasons, this variant has been classified as Pathogenic.

Fulgent Genetics
Classification: Pathogenic for Alstrom syndrome. Last evaluated: 2021-11-11. Review status: criteria provided, single submitter. Criteria: ACMG Guidelines, 2015. Collection method: clinical testing. Allele origin: unknown.

Cytogénomique, Hospices Civils de Lyon
Classification: Pathogenic for Intellectual disability. Last evaluated: 2021-07-08. Review status: criteria provided, single submitter. Criteria: ACMG Guidelines, 2015. Collection method: clinical testing. Allele origin: paternal. Inheritance: Autosomal recessive inheritance. Affected: yes. Observed: 1 variant allele, 1 compound heterozygote.
Comment: in trans with another pathogenic variant. Alstrom syndrome

Literature cited by the submitters: PubMed 17594715 (cited by Labcorp Genetics (formerly Invitae), Labcorp); PubMed 25846608 (cited by Labcorp Genetics (formerly Invitae), Labcorp).

NM_001378454.1(ALMS1):c.4820dup (p.Thr1608fs)

Gene: ALMS1 (ALMS1 centrosome and basal body associated protein; plus strand). Cytogenetic location: 2p13.1.
Variant type: Duplication.
Coding change: c.4820dup on transcript NM_001378454.1 (MANE Select); coding-DNA position 4820, one base duplicated (A; older notation c.4820dupA).
Protein change: p.Thr1608fs; shifts the reading frame from threonine 1608.
Molecular consequence: frameshift variant.
Genome position (GRCh38, 1-based): chr2:73,451,347, A duplicated; the last of 7 consecutive A bases (chr2:73,451,341-73,451,347); duplicating any one gives the same sequence. VCF-style (leftmost placement, unchanged base first): chr2-73451340-G-GA. GRCh37 (hg19) VCF-style: chr2-73678467-G-GA.
Other names: c.4817dup (NM_015120.4); c.4823dup, p.Thr1609fs (NM_015120.4); short protein forms T1608fs, T1609fs.
Identifiers: ClinVar variation 842644 (VCV000842644.13), dbSNP rs758098717, ClinGen allele CA916082178.